The following is an entry in ClinVar:

ClinVar aggregate classification (germline): Uncertain significance (1 of 4 stars; one submission).

Conditions:
Hereditary cancer-predisposing syndrome. Also called: Neoplastic Syndromes, Hereditary; Tumor predisposition; Hereditary Cancer Syndrome; Hereditary neoplastic syndrome. Identifiers: Orphanet 140162, MedGen C0027672, MeSH D009386, MONDO:0015356.

Submission:

Ambry Genetics
Classification: Uncertain significance for Hereditary cancer-predisposing syndrome. Last evaluated: 2026-05-08. Review status: criteria provided, single submitter. Criteria: Ambry Variant Classification Scheme 2023. Collection method: clinical testing. Allele origin: germline.
Comment: The p.H1105Q variant (also known as c.3315T>G), located in coding exon 9 of the BRCA1 gene, results from a T to G substitution at nucleotide position 3315. The histidine at codon 1105 is replaced by glutamine, an amino acid with highly similar properties. This amino acid position is not well conserved in available vertebrate species. In addition, this alteration is predicted to be tolerated by in silico analysis. Based on the available evidence, the clinical significance of this variant remains unclear.

NM_007294.4(BRCA1):c.3315T>G (p.His1105Gln)

Genes: BRCA1 (BRCA1 DNA repair associated; minus strand), LOC126862571 (BRD4-independent group 4 enhancer GRCh37_chr17:41243136-41244335; plus strand). Cytogenetic location: 17q21.31.
Variant type: single nucleotide variant.
Coding change: c.3315T>G on transcript NM_007294.4 (MANE Select); coding-DNA position 3315, T replaced by G.
Protein change: p.His1105Gln; replaces histidine 1105 with glutamine.
Molecular consequence: missense variant. On other transcripts: intron variant (137).
Genome position (GRCh38, 1-based): chr17:43,092,216, A>C on the plus strand (T>G on the coding strand, the complement: BRCA1 is on the minus strand). VCF-style: chr17-43092216-A-C. GRCh37 (hg19) VCF-style: chr17-41244233-A-C.
Other names: c.3315T>G, p.His1105Gln (NM_001407642.1, NM_001407652.1, NM_001407596.1 and 30 more transcripts); c.3312T>G, p.His1104Gln (NM_001407644.1, NM_001407645.1, NM_001407610.1 and 22 more transcripts); c.3306T>G, p.His1102Gln (NM_001407646.1, NM_001407647.1); c.3192T>G, p.His1064Gln (NM_001407648.1, NM_001407863.1, NM_001407919.1 and 19 more transcripts); c.3189T>G, p.His1063Gln (NM_001407649.1, NM_001407940.1, NM_001407941.1 and 11 more transcripts); c.3237T>G, p.His1079Gln (NM_001407653.1, NM_001407654.1, NM_001407655.1 and 4 more transcripts); c.3102T>G, p.His1034Gln (NM_001407571.1, NM_001407894.1, NM_001407895.1 and 9 more transcripts); c.788-1184T>G (NM_001407976.1, NM_001408404.1, NM_001408472.1 and 17 more transcripts); and 41 more; short protein forms H1016Q, H1017Q, H1034Q, H1035Q, H1037Q, H1038Q, H1057Q, H1058Q.
Identifiers: ClinVar variation 4867731 (VCV004867731.1).
Genomic context (GRCh38, chr17:43,092,216, plus strand): 5'-AGAGAAATCTGTATTAACAGTCTGAACTACTTCTTCATATTCTTGCTTTTTTATTTCAGG[A>C]TGCTTACAATTACTTCCAGGAAGACTTTGTTTATAGACCTCAGGTTGCAAAACCCCTAAT-3'
Protein context (NP_009225.1, residues 1095-1115): KQSLPGSNCK[His1105Gln]PEIKKQEYEE